The following is an entry in ClinVar:

ClinVar aggregate classification (germline): Benign/Likely benign. Review status: criteria provided, multiple submitters, no conflicts (2 of 4 stars). 2 submissions from 2 submitters: Benign (1); Likely benign (1). Last evaluated 2026-07-02.

Conditions:
Sessile serrated polyposis cancer syndrome (SSPCS). Identifiers: Orphanet 157798, MedGen C4310714, MONDO:0014919, OMIM 617108.

gnomAD v4.1: 2 of 1,612,986 alleles (0.00012%); highest among the groups gnomAD compares: Non-Finnish European, 0.00017%; no homozygotes.

Submissions (2):

Myriad Genetics, Inc.
Classification: Benign for Sessile serrated polyposis cancer syndrome. Last evaluated: 2026-07-02. Review status: criteria provided, single submitter. Criteria: Myriad Autosomal Dominant, Autosomal Recessive and X-Linked Classification Criteria (2023). Collection method: clinical testing. Allele origin: unknown.
Comment: This variant is considered benign. This variant is a silent/synonymous amino acid change and it is not expected to impact splicing.

Ambry Genetics
Classification: Likely benign. Last evaluated: 2026-03-09. Review status: criteria provided, single submitter. Criteria: Ambry Variant Classification Scheme 2023. Collection method: clinical testing. Allele origin: germline.

NM_017763.6(RNF43):c.2025C>T (p.His675=)

Gene: RNF43 (ring finger protein 43; minus strand). Cytogenetic location: 17q22.
Variant type: single nucleotide variant.
Coding change: c.2025C>T on transcript NM_017763.6 (MANE Select); coding-DNA position 2025, C replaced by T.
Protein change: p.His675=; no amino-acid change (histidine 675 retained).
Molecular consequence: synonymous variant.
Genome position (GRCh38, 1-based): chr17:58,357,751, G>A on the plus strand (C>T on the coding strand, the complement: RNF43 is on the minus strand). VCF-style: chr17-58357751-G-A. GRCh37 (hg19) VCF-style: chr17-56435112-G-A.
Other names: c.2025C>T, p.His675= (NM_001305544.3, NM_001438820.1, NM_001438821.1 and 1 more transcripts); c.1644C>T, p.His548= (NM_001305545.2, NM_001437987.1).
Identifiers: ClinVar variation 4826155 (VCV004826155.2).
Genomic context (GRCh38, chr17:58,357,751, plus strand): 5'-CTCTGGGGACCAAGGATATGCCACACTGGGGGTGTAATGGGGAAAAATCTGGCAAGCTGG[G>A]TGCACAGTTGCATCCTGGGGCCGAGAGCCAGGGGTGGGCTCGGAGGGACCCCCCCGCCTT-3'
Protein context (NP_060233.3, residues 665-685): PGSRPQDATV[His675=]PACQIFPHYT